The following is an entry in ClinVar:

NM_001267550.2(TTN):c.42795T>C (p.Asp14265=)

Gene: TTN (titin; minus strand). Cytogenetic location: 2q31.2.
Variant type: single nucleotide variant.
Coding change: c.42795T>C on transcript NM_001267550.2 (MANE Select); coding-DNA position 42795, T replaced by C.
Protein change: p.Asp14265=; no amino-acid change (aspartic acid 14265 retained).
Molecular consequence: synonymous variant.
Genome position (GRCh38, 1-based): chr2:178,633,564, A>G on the plus strand (T>C on the coding strand, the complement: TTN is on the minus strand). VCF-style: chr2-178633564-A-G. GRCh37 (hg19) VCF-style: chr2-179498291-A-G.
Other names: c.37872T>C, p.Asp12624= (NM_001256850.1); c.15600T>C, p.Asp5200= (NM_003319.4); c.35091T>C, p.Asp11697= (NM_133378.4); c.15975T>C, p.Asp5325= (NM_133432.3); c.16176T>C, p.Asp5392= (NM_133437.4); c.42795T>C (NM_001267550.1).
Identifiers: ClinVar variation 513339 (VCV000513339.18), dbSNP rs750211026, ClinGen allele CA1996013.

ClinVar aggregate classification (germline): Likely benign. Review status: criteria provided, multiple submitters, no conflicts (2 of 4 stars). 5 submissions from 5 submitters: Likely benign (4). 1 of the submissions does not count toward it. Last evaluated 2025-11-22.

Conditions:
Cardiovascular phenotype. Identifiers: MedGen CN230736.
Autosomal recessive limb-girdle muscular dystrophy type 2J (LGMDR10). Also called: MUSCULAR DYSTROPHY, LIMB-GIRDLE, AUTOSOMAL RECESSIVE 10; Limb-girdle muscular dystrophy, type 2J. Identifiers: Orphanet 140922, MedGen C1837342, MONDO:0012127, OMIM 608807.
Dilated cardiomyopathy 1G (CMD1G). Identifiers: Orphanet 154, MedGen C1858763, MONDO:0011400, OMIM 604145.
TTN-related disorder. Also called: TTN-related condition; TTN-related disease; TTN-related disorders.

Allele frequency attached by ClinVar (database versions not stated): ExAC 0.00002; gnomAD exomes 0.00002; gnomAD 0.00005 and 0.00006; TOPMed 0.00007.
gnomAD v4.1: 47 of 1,613,442 alleles (0.0029%); highest among the groups gnomAD compares: Admixed American, 0.02%; no homozygotes.

Submissions (5):

Labcorp Genetics (formerly Invitae), Labcorp
Classification: Likely benign for Dilated cardiomyopathy 1G; Autosomal recessive limb-girdle muscular dystrophy type 2J. Last evaluated: 2025-11-22. Review status: criteria provided, single submitter. Criteria: Invitae Variant Classification Sherloc (09022015). Collection method: clinical testing. Allele origin: germline.

Athena Diagnostics
Classification: Likely benign. Last evaluated: 2024-03-29. Review status: criteria provided, single submitter. Criteria: Athena Diagnostics Criteria. Collection method: clinical testing. Allele origin: unknown.

GeneDx
Classification: Likely benign. Last evaluated: 2019-12-10. Review status: criteria provided, single submitter. Criteria: GeneDx Variant Classification Process June 2021. Collection method: clinical testing. Allele origin: germline. Affected: yes.

Ambry Genetics
Classification: Likely benign for Cardiovascular phenotype. Last evaluated: 2019-10-03. Review status: criteria provided, single submitter. Criteria: Ambry Variant Classification Scheme 2023. Collection method: clinical testing. Allele origin: germline.

PreventionGenetics, part of Exact Sciences
Classification: Likely benign for TTN-related condition. Last evaluated: 2023-10-17. Review status: no assertion criteria provided. Collection method: clinical testing. Allele origin: germline. Not counted in ClinVar's aggregate classification.
Comment: This variant is classified as likely benign based on ACMG/AMP sequence variant interpretation guidelines (Richards et al. 2015 PMID: 25741868, with internal and published modifications).

Literature cited by the submitters: PubMed 37164978 (cited by Athena Diagnostics).